The following is an entry in ClinVar:

NM_000038.6(APC):c.1597C>G (p.Leu533Val)

Gene: APC (APC regulator of Wnt signaling pathway; plus strand). Cytogenetic location: 5q22.2.
Variant type: single nucleotide variant.
Coding change: c.1597C>G on transcript NM_000038.6 (MANE Select); coding-DNA position 1597, C replaced by G.
Protein change: p.Leu533Val; replaces leucine 533 with valine.
Molecular consequence: missense variant.
Genome position (GRCh38, 1-based): chr5:112,827,977, C>G. VCF-style: chr5-112827977-C-G. GRCh37 (hg19) VCF-style: chr5-112163674-C-G.
Other names: c.1597C>G, p.Leu533Val (NM_001127510.3, NM_001354895.2, NM_001407450.1); c.1543C>G, p.Leu515Val (NM_001127511.3); c.1651C>G, p.Leu551Val (NM_001354896.2, NM_001407447.1, NM_001407448.1 and 1 more transcripts); c.1627C>G, p.Leu543Val (NM_001354897.2); c.1522C>G, p.Leu508Val (NM_001354898.2); c.1513C>G, p.Leu505Val (NM_001354899.2); c.1474C>G, p.Leu492Val (NM_001354900.2); c.1420C>G, p.Leu474Val (NM_001354901.2, NM_001407453.1); and 11 more; short protein forms L149V, L250V, L373V, L404V, L407V, L432V, L442V, L450V.
Identifiers: ClinVar variation 3220996 (VCV003220996.1), dbSNP rs905180328, ClinGen allele CA16024793.

ClinVar aggregate classification (germline): Uncertain significance (1 of 4 stars; one submission).

Conditions:
Hereditary cancer-predisposing syndrome. Also called: Tumor predisposition; Hereditary neoplastic syndrome; Hereditary Cancer Syndrome; Neoplastic Syndromes, Hereditary. Identifiers: Orphanet 140162, MedGen C0027672, MeSH D009386, MONDO:0015356.

Submission:

Ambry Genetics
Classification: Uncertain significance for Hereditary cancer-predisposing syndrome. Last evaluated: 2023-11-01. Review status: criteria provided, single submitter. Criteria: Ambry Variant Classification Scheme 2023. Collection method: clinical testing. Allele origin: germline.
Comment: The p.L533V variant (also known as c.1597C>G), located in coding exon 12 of the APC gene, results from a C to G substitution at nucleotide position 1597. The leucine at codon 533 is replaced by valine, an amino acid with highly similar properties. This amino acid position is conserved. In addition, in silico predictors for this gene do not accurately predict pathogenicity. Since supporting evidence is limited at this time, the clinical significance of this alteration remains unclear.